The following is an entry in ClinVar:

NM_000373.4(UMPS):c.*3152G>A

Gene: UMPS (uridine monophosphate synthetase; plus strand). Cytogenetic location: 3q21.2.
Variant type: single nucleotide variant.
Coding change: c.*3152G>A on transcript NM_000373.4 (MANE Select); 3152 bases downstream of the stop codon, G replaced by A.
Molecular consequence: 3 prime UTR variant. On other transcripts: non-coding transcript variant (2).
Genome position (GRCh38, 1-based): chr3:124,747,236, G>A. VCF-style: chr3-124747236-G-A. GRCh37 (hg19) VCF-style: chr3-124466083-G-A.
Identifiers: ClinVar variation 342998 (VCV000342998.5), dbSNP rs1979413, ClinGen allele CA2582096.

ClinVar aggregate classification (germline): Benign (1 of 4 stars; one submission).

Conditions:
Oroticaciduria. Also called: Orotic aciduria. Identifiers: Orphanet 30, MedGen C0268128, HP:0003218.

Allele frequency attached by ClinVar (database versions not stated): 1000 Genomes Project 30x 0.18754; TOPMed 0.17984; 1000 Genomes Project 0.18610; gnomAD 0.17796 and 0.17658; ExAC 0.19662; gnomAD exomes 0.19932 and 0.19134.
gnomAD v4.1: 84,144 of 452,420 alleles (19%); highest among the groups gnomAD compares: Admixed American, 29%; 8,660 homozygotes.

Submission:

Illumina Laboratory Services, Illumina
Classification: Benign for Hereditary orotic aciduria. Last evaluated: 2018-01-12. Review status: criteria provided, single submitter. Criteria: ICSL Variant Classification Criteria 13 December 2019. Collection method: clinical testing. Allele origin: germline.
Comment: This variant was observed in the ICSL laboratory as part of a predisposition screen in an ostensibly healthy population. It had not been previously curated by ICSL or reported in the Human Gene Mutation Database (HGMD: prior to June 1st, 2018), and was therefore a candidate for classification through an automated scoring system. Utilizing variant allele frequency, disease prevalence and penetrance estimates, and inheritance mode, an automated score was calculated to assess if this variant is too frequent to cause the disease. Based on the score and internal cut-off values, a variant classified as benign is not then subjected to further curation. The score for this variant resulted in a classification of benign for this disease.